The following is an entry in ClinVar:

NM_004655.4(AXIN2):c.2366G>C (p.Gly789Ala)

Gene: AXIN2 (axin 2; minus strand). Cytogenetic location: 17q24.1.
Variant type: single nucleotide variant.
Coding change: c.2366G>C on transcript NM_004655.4 (MANE Select); coding-DNA position 2366, G replaced by C.
Protein change: p.Gly789Ala; replaces glycine 789 with alanine.
Molecular consequence: missense variant.
Genome position (GRCh38, 1-based): chr17:65,533,951, C>G on the plus strand (G>C on the coding strand, the complement: AXIN2 is on the minus strand). VCF-style: chr17-65533951-C-G. GRCh37 (hg19) VCF-style: chr17-63530069-C-G.
Other names: c.2366G>C (LRG_296t1); c.2171G>C, p.Gly724Ala (NM_001363813.1); short protein forms G789A, G724A.
Identifiers: ClinVar variation 408798 (VCV000408798.13), dbSNP rs1060502138, ClinGen allele CA16615555.
Genomic context (GRCh38, chr17:65,533,951, plus strand): 5'-AAAAAGCCACAGGACTCTTACCTATAATTTCCCTTTTTGCTGAGCTGCTCTTTAAAGTGG[C>G]CCAGGGTCAAGCTCTGAGCCTTCAGCATCCTCCGGTATGGAATTTCTTCCCCACAGAAAA-3'
Protein context (NP_004646.3, residues 779-799): RMLKAQSLTL[Gly789Ala]HFKEQLSKKG

ClinVar aggregate classification (germline): Uncertain significance. Review status: criteria provided, multiple submitters, no conflicts (2 of 4 stars). 3 submissions from 3 submitters: Uncertain significance (3). Last evaluated 2025-09-12.

Conditions:
Hereditary cancer-predisposing syndrome. Also called: Hereditary Cancer Syndrome; Hereditary neoplastic syndrome; Neoplastic Syndromes, Hereditary; Tumor predisposition. Identifiers: Orphanet 140162, MedGen C0027672, MeSH D009386, MONDO:0015356.
Oligodontia-cancer predisposition syndrome. Also called: TOOTH AGENESIS-COLORECTAL CANCER SYNDROME. Identifiers: Orphanet 300576, MedGen C1837750, MONDO:0012075, OMIM 608615. Disease mechanism: loss of function.

Allele frequency attached by ClinVar (database versions not stated): gnomAD exomes below 0.00001 and 0.00001; gnomAD 0.00001.
gnomAD v4.1: 11 of 1,614,046 alleles (0.00068%); highest among the groups gnomAD compares: Non-Finnish European, 0.00085%; no homozygotes.

Submissions (3):

Labcorp Genetics (formerly Invitae), Labcorp
Classification: Uncertain significance for Oligodontia-cancer predisposition syndrome. Last evaluated: 2025-09-12. Review status: criteria provided, single submitter. Criteria: Invitae Variant Classification Sherloc (09022015). Collection method: clinical testing. Allele origin: germline.
Comment: This sequence change replaces glycine, which is neutral and non-polar, with alanine, which is neutral and non-polar, at codon 789 of the AXIN2 protein (p.Gly789Ala). This variant is present in population databases (no rsID available, gnomAD 0.002%). This variant has not been reported in the literature in individuals affected with AXIN2-related conditions. ClinVar contains an entry for this variant (Variation ID: 408798). Invitae Evidence Modeling of protein sequence and biophysical properties (such as structural, functional, and spatial information, amino acid conservation, physicochemical variation, residue mobility, and thermodynamic stability) indicates that this missense variant is not expected to disrupt AXIN2 protein function with a negative predictive value of 80%. In summary, the available evidence is currently insufficient to determine the role of this variant in disease. Therefore, it has been classified as a Variant of Uncertain Significance.

Ambry Genetics
Classification: Uncertain significance for Hereditary cancer-predisposing syndrome. Last evaluated: 2023-12-09. Review status: criteria provided, single submitter. Criteria: Ambry Variant Classification Scheme 2023. Collection method: clinical testing. Allele origin: germline.
Comment: The p.G789A variant (also known as c.2366G>C), located in coding exon 9 of the AXIN2 gene, results from a G to C substitution at nucleotide position 2366. The glycine at codon 789 is replaced by alanine, an amino acid with similar properties. This amino acid position is highly conserved in available vertebrate species. In addition, the in silico prediction for this alteration is inconclusive. Since supporting evidence is limited at this time, the clinical significance of this alteration remains unclear.

Quest Diagnostics Nichols Institute San Juan Capistrano
Classification: Uncertain significance. Last evaluated: 2023-07-08. Review status: criteria provided, single submitter. Criteria: Quest Diagnostics criteria. Collection method: clinical testing. Allele origin: unknown.
Comment: The variant has not been reported in individuals with AXIN2-related conditions in the published literature. The frequency of this variant in the general population, 0.0000071 (2/282860 chromosomes (Genome Aggregation Database)), is uninformative in the assessment of its pathogenicity. Analysis of this variant using bioinformatics tools for the prediction of the effect of amino acid changes on protein structure and function yielded conflicting predictions that this variant is benign or damaging. Based on the available information, we are unable to determine the clinical significance of this variant.